The following is an entry in ClinVar:

NM_002474.3(MYH11):c.5617G>C (p.Glu1873Gln)

Genes: NDE1 (nudE neurodevelopment protein 1; plus strand), MYH11 (myosin heavy chain 11; minus strand). Cytogenetic location: 16p13.11.
Variant type: single nucleotide variant.
Coding change: c.5617G>C on transcript NM_002474.3 (MANE Select); coding-DNA position 5617, G replaced by C.
Protein change: p.Glu1873Gln; replaces glutamic acid 1873 with glutamine.
Molecular consequence: missense variant. On other transcripts: intron variant (2).
Genome position (GRCh38, 1-based): chr16:15,715,078, C>G on the plus strand (G>C on the coding strand, the complement: MYH11 is on the minus strand). VCF-style: chr16-15715078-C-G. GRCh37 (hg19) VCF-style: chr16-15808935-C-G.
Other names: c.5638G>C, p.Glu1880Gln (NM_001040113.2, NM_001040114.2); c.5617G>C, p.Glu1873Gln (NM_022844.3); c.948-9113C>G (NM_001143979.2, NM_017668.3); short protein forms E1873Q, E1880Q.
Identifiers: ClinVar variation 918386 (VCV000918386.6), dbSNP rs2040046772, ClinGen allele CA394847131.
Genomic context (GRCh38, chr16:15,715,078, plus strand): 5'-ACTCCTCCTCTGCCTCCTCCAGCTGCCTCTTGAGCTGCTTGACCCTGGCATTGCCTTTCT[C>G]TGCCTGTCGCGGAGAGTTGGAGGGGTGGTTAGGGGAGGCCGGCTGGGGGCTGGGGGCTCG-3'
Protein context (NP_002465.1, residues 1863-1883): KMAEQYKEQA[Glu1873Gln]KGNARVKQLK

ClinVar aggregate classification (germline): Uncertain significance. Review status: criteria provided, multiple submitters, no conflicts (2 of 4 stars). 2 submissions from 2 submitters: Uncertain significance (2). Last evaluated 2024-03-06.

Conditions:
Familial thoracic aortic aneurysm and aortic dissection (TAAD). Also called: Thoracic aortic aneurysms and dissections. Identifiers: Orphanet 91387, MedGen C4707243, MONDO:0019625.

gnomAD v4.1: 1 of 1,612,932 alleles (0.000062%); highest among the groups gnomAD compares: African/African-American, 0.0013%; no homozygotes.

Submissions (2):

Color Diagnostics, LLC DBA Color Health
Classification: Uncertain significance for Familial thoracic aortic aneurysm and aortic dissection. Last evaluated: 2024-03-06. Review status: criteria provided, single submitter. Criteria: ACMG Guidelines, 2015. Collection method: clinical testing. Allele origin: germline.
Comment: This missense variant replaces glutamic acid with glutamine at codon 1880 of the MYH11 protein. Computational prediction is inconclusive regarding the impact of this variant on protein structure and function (internally defined REVEL score threshold 0.5 < inconclusive < 0.7, PMID: 27666373). To our knowledge, functional studies have not been reported for this variant. This variant has not been reported in individuals affected with MYH11-related disorders in the literature. This variant has not been identified in the general population by the Genome Aggregation Database (gnomAD). The available evidence is insufficient to determine the role of this variant in disease conclusively. Therefore, this variant is classified as a Variant of Uncertain Significance.

All of Us Research Program, National Institutes of Health
Classification: Uncertain significance for Familial thoracic aortic aneurysm and aortic dissection. Last evaluated: 2023-07-10. Review status: criteria provided, single submitter. Criteria: ACMG Guidelines, 2015. Collection method: clinical testing. Allele origin: germline. Inheritance: Autosomal dominant inheritance. Observed: 1 variant allele, 1 heterozygote.
Comment: Variant of Uncertain Significance due to insufficient evidence: This missense variant replaces glutamic acid with glutamine at codon 1880 of the MYH11 protein. Computational prediction tools and conservation analyses suggest that this variant may have deleterious impact on the protein function. Computational splicing tools suggest that this variant may not impact RNA splicing. To our knowledge, functional assays have not been performed for this variant nor has this variant been reported in individuals affected with cardiovascular disorders in the literature. This variant is rare in the general population and has been identified in 0/277264 chromosomes by the Genome Aggregation Database (gnomAD). Available evidence is insufficient to determine the role of this variant in disease conclusively.

This study involves interpretation of variants in research participants for the purpose of population health screening. Participant phenotype was not available at the time of variant classification. Additional details can be found in publication PMID: 35346344, PMCID: PMC8962531